The following is an entry in ClinVar:

NM_017827.4(SARS2):c.1084G>A (p.Glu362Lys)

Gene: SARS2 (seryl-tRNA synthetase 2, mitochondrial; minus strand). Cytogenetic location: 19q13.2.
Variant type: single nucleotide variant.
Coding change: c.1084G>A on transcript NM_017827.4 (MANE Select); coding-DNA position 1084, G replaced by A.
Protein change: p.Glu362Lys; replaces glutamic acid 362 with lysine.
Molecular consequence: missense variant.
Genome position (GRCh38, 1-based): chr19:38,917,800, C>T on the plus strand (G>A on the coding strand, the complement: SARS2 is on the minus strand). VCF-style: chr19-38917800-C-T. GRCh37 (hg19) VCF-style: chr19-39408440-C-T.
Other names: c.1090G>A, p.Glu364Lys (NM_001145901.2); short protein forms E362K, E364K.
Identifiers: ClinVar variation 4086583 (VCV004086583.1).
Genomic context (GRCh38, chr19:38,917,800, plus strand): 5'-GCTCTGTCAAGATCTCCATCTGAAGGGACAGGAACTCCTCCAGCAGCTGTGAGCTCTGCT[C>T]CAGCCCAGGGCCTGTCACCCCAAACATCTCCACCTGGGACAGAGGGCACAGGAGTCAGGA-3'
Protein context (NP_060297.1, residues 352-372): EMFGVTGPGL[Glu362Lys]QSSQLLEEFL

ClinVar aggregate classification (germline): Uncertain significance (1 of 4 stars; one submission).

gnomAD v4.1: 1 of 1,614,118 alleles (0.000062%); highest among the groups gnomAD compares: East Asian, 0.0022%; no homozygotes.

Submission:

GeneDx
Classification: Uncertain significance. Last evaluated: 2025-03-17. Review status: criteria provided, single submitter. Criteria: GeneDx Variant Classification Process June 2021. Collection method: clinical testing. Allele origin: germline. Affected: yes.
Comment: Not observed at significant frequency in large population cohorts (gnomAD); In silico analysis supports that this missense variant has a deleterious effect on protein structure/function; Has not been previously published as pathogenic or benign to our knowledge